The following is an entry in ClinVar:

NM_005422.4(TECTA):c.4854del (p.Cys1619fs)

Genes: TBCEL-TECTA (TBCEL-TECTA readthrough; plus strand), TECTA (tectorin alpha; plus strand). Cytogenetic location: 11q23.3.
Variant type: Deletion.
Coding change: c.4854del on transcript NM_005422.4 (MANE Select); coding-DNA position 4854, one base deleted (G; older notation c.4854delG).
Protein change: p.Cys1619fs; shifts the reading frame from cysteine 1619.
Molecular consequence: frameshift variant.
Genome position (GRCh38, 1-based): chr11:121,160,299, G deleted. VCF-style (leftmost placement, unchanged base first): chr11-121160298-TG-T. GRCh37 (hg19) VCF-style: chr11-121031007-TG-T.
Other names: c.5811del, p.Cys1938fs (NM_001378761.1); short protein forms C1619fs, C1938fs.
Identifiers: ClinVar variation 3601874 (VCV003601874.1).
Genomic context (GRCh38, chr11:121,160,298, plus strand): 5'-TATACTACAATGGTTTCAACGTCATTAAAATCAGCATCAGCGAGAGGCTGCAGAACAAAG[TG>T]TGCGGTCTCTGTGGCAACTTCAACGGGGACCTAACAGATGATTATGTGACCTTGCGAGGG-3'

ClinVar aggregate classification (germline): Pathogenic (1 of 4 stars; one submission).

Conditions:
Autosomal recessive nonsyndromic hearing loss 21. Identifiers: Orphanet 90636, MedGen C1863655, MONDO:0011351, OMIM 603629.

Submission:

Institute of Rare Diseases, West China Hospital, Sichuan University
Classification: Pathogenic for Autosomal recessive nonsyndromic hearing loss 21. Last evaluated: 2025-01-09. Review status: criteria provided, single submitter. Criteria: ClinGen HL ACMG Specifications v1. Collection method: research. Allele origin: germline. Affected: yes.
Comment: PVS1;PM3_Supporting;PM2_Supporting